The following is an entry in ClinVar:

NM_004035.7(ACOX1):c.1216G>C (p.Gly406Arg)

Gene: ACOX1 (acyl-CoA oxidase 1; minus strand). Cytogenetic location: 17q25.1.
Variant type: single nucleotide variant.
Coding change: c.1216G>C on transcript NM_004035.7 (MANE Select); coding-DNA position 1216, G replaced by C.
Protein change: p.Gly406Arg; replaces glycine 406 with arginine.
Molecular consequence: missense variant.
Genome position (GRCh38, 1-based): chr17:75,950,856, C>G on the plus strand (G>C on the coding strand, the complement: ACOX1 is on the minus strand). VCF-style: chr17-75950856-C-G. GRCh37 (hg19) VCF-style: chr17-73946937-C-G.
Other names: c.1102G>C, p.Gly368Arg (NM_001185039.2); c.1216G>C, p.Gly406Arg (NM_007292.6); short protein forms G368R, G406R.
Identifiers: ClinVar variation 1346010 (VCV001346010.8), dbSNP rs1199045083, ClinGen allele CA401062799.

ClinVar aggregate classification (germline): Uncertain significance (1 of 4 stars; one submission).

Conditions:
Acyl-CoA oxidase deficiency. Also called: Peroxisomal acyl-CoA oxidase deficiency; STRAIGHT-CHAIN ACYL-CoA OXIDASE DEFICIENCY; Pseudoneonatal adrenoleukodystrophy. Identifiers: Orphanet 2971, MedGen C1849678, MONDO:0009919, OMIM 264470. Disease mechanism: loss of function.

Allele frequency attached by ClinVar (database versions not stated): gnomAD exomes below 0.00001.
gnomAD v4.1: 2 of 1,614,094 alleles (0.00012%); highest among the groups gnomAD compares: Non-Finnish European, 0.00017%; no homozygotes.

Submission:

Labcorp Genetics (formerly Invitae), Labcorp
Classification: Uncertain significance for Acyl-CoA oxidase deficiency. Last evaluated: 2022-08-16. Review status: criteria provided, single submitter. Criteria: Invitae Variant Classification Sherloc (09022015). Collection method: clinical testing. Allele origin: germline.
Comment: This sequence change replaces glycine, which is neutral and non-polar, with arginine, which is basic and polar, at codon 406 of the ACOX1 protein (p.Gly406Arg). This variant is not present in population databases (gnomAD no frequency). This variant has not been reported in the literature in individuals affected with ACOX1-related conditions. ClinVar contains an entry for this variant (Variation ID: 1346010). Algorithms developed to predict the effect of missense changes on protein structure and function are either unavailable or do not agree on the potential impact of this missense change (SIFT: "Tolerated"; PolyPhen-2: "Probably Damaging"; Align-GVGD: "Class C0"). In summary, the available evidence is currently insufficient to determine the role of this variant in disease. Therefore, it has been classified as a Variant of Uncertain Significance.